The following is an entry in ClinVar:

ClinVar aggregate classification (germline): Uncertain significance. Review status: criteria provided, multiple submitters, no conflicts (2 of 4 stars). 7 submissions from 7 submitters: Uncertain significance (7). Last evaluated 2026-06-15.

Conditions:
CDH23-related disorder. Also called: CDH23-related condition; CDH23-related disorders.
Usher syndrome type 1D (USH1D). Also called: USHER SYNDROME, TYPE ID. Identifiers: Orphanet 231169, Orphanet 886, MedGen C1832845, MONDO:0010984, OMIM 601067.
Autosomal recessive nonsyndromic hearing loss 12. Also called: DEAFNESS, AUTOSOMAL RECESSIVE 12. Identifiers: Orphanet 90636, MedGen C1832394, MONDO:0011067, OMIM 601386.

Allele frequency attached by ClinVar (database versions not stated): gnomAD 0.00001; gnomAD exomes 0.00001 and 0.00002; TOPMed 0.00002; ExAC 0.00003.
gnomAD v4.1: 21 of 1,592,570 alleles (0.0013%); highest among the groups gnomAD compares: Admixed American, 0.0035%; no homozygotes.

Submissions (7):

PreventionGenetics, part of Exact Sciences
Classification: Uncertain significance for CDH23-related condition. Last evaluated: 2026-06-15. Review status: criteria provided, single submitter. Criteria: ACMG Guidelines, 2015. Collection method: clinical testing. Allele origin: germline.
Comment: The CDH23 c.7723G>A variant is predicted to result in the amino acid substitution p.Glu2575Lys. To our knowledge, this variant has not been reported in the literature. This variant is reported in 0.032% of alleles in individuals of Ashkenazi Jewish descent in gnomAD. At this time, the clinical significance of this variant is uncertain due to the absence of conclusive functional and genetic evidence.

GeneDx
Classification: Uncertain significance. Last evaluated: 2026-02-05. Review status: criteria provided, single submitter. Criteria: GeneDx Variant Classification Process June 2021. Collection method: clinical testing. Allele origin: germline.
Comment: In silico analysis suggests that this missense variant does not alter protein structure/function; Has not been previously published as pathogenic or benign to our knowledge

Genomic Medicine Center of Excellence, King Faisal Specialist Hospital and Research Centre
Classification: Uncertain significance for Usher syndrome type 1D. Last evaluated: 2024-12-18. Review status: criteria provided, single submitter. Criteria: ACMG Guidelines, 2015. Collection method: clinical testing. Allele origin: germline.

Illumina Laboratory Services, Illumina
Classification: Uncertain significance for Autosomal recessive nonsyndromic hearing loss 12. Last evaluated: 2023-12-18. Review status: criteria provided, single submitter. Criteria: ISL SNV Classification Criteria 03 February 2026. Collection method: clinical testing. Allele origin: unknown.
Comment: The CDH23 c.7723G>A p.(Glu2575Lys) missense variant, to our knowledge, has not been reported in the peer-reviewed literature. The highest frequency of this allele in the Genome Aggregation Database is 0.000324 in the Ashkenazi Jewish population (version 2.1.1). Based on the available evidence, the c.7723G>A p.(Glu2575Lys) variant is classified as a variant of uncertain significance for autosomal recessive nonsyndromic hearing loss.

Labcorp Genetics (formerly Invitae), Labcorp
Classification: Uncertain significance. Last evaluated: 2022-10-05. Review status: criteria provided, single submitter. Criteria: Invitae Variant Classification Sherloc (09022015). Collection method: clinical testing. Allele origin: germline.
Comment: This sequence change replaces glutamic acid, which is acidic and polar, with lysine, which is basic and polar, at codon 2575 of the CDH23 protein (p.Glu2575Lys). The frequency data for this variant in the population databases is considered unreliable, as metrics indicate poor data quality at this position in the gnomAD database. This variant has not been reported in the literature in individuals affected with CDH23-related conditions. ClinVar contains an entry for this variant (Variation ID: 1328128). Advanced modeling of protein sequence and biophysical properties (such as structural, functional, and spatial information, amino acid conservation, physicochemical variation, residue mobility, and thermodynamic stability) performed at Invitae indicates that this missense variant is not expected to disrupt CDH23 protein function. In summary, the available evidence is currently insufficient to determine the role of this variant in disease. Therefore, it has been classified as a Variant of Uncertain Significance.

Women's Health and Genetics/Laboratory Corporation of America, LabCorp
Classification: Uncertain significance. Last evaluated: 2022-03-22. Review status: criteria provided, single submitter. Criteria: LabCorp Variant Classification Summary - May 2015. Collection method: clinical testing. Allele origin: germline.
Comment: Variant summary: CDH23 c.7723G>A (p.Glu2575Lys) results in a conservative amino acid change in the encoded protein sequence. Three of five in-silico tools predict a benign effect of the variant on protein function. The variant allele was found at a frequency of 1.9e-05 in 209904 control chromosomes (gnomAD). The available data on variant occurrences in the general population are insufficient to allow any conclusion about variant significance. To our knowledge, no occurrence of c.7723G>A in individuals affected with Usher Syndrome and no experimental evidence demonstrating its impact on protein function have been reported. One clinical diagnostic laboratory has submitted clinical-significance assessments for this variant to ClinVar after 2014 and classified the variant as uncertain significance. Based on the evidence outlined above, the variant was classified as uncertain significance.

Blueprint Genetics
Classification: Uncertain significance. Last evaluated: 2022-01-26. Review status: criteria provided, single submitter. Criteria: ACMG Guidelines, 2015. Collection method: clinical testing. Allele origin: germline.

NM_022124.6(CDH23):c.7723G>A (p.Glu2575Lys)

Gene: CDH23 (cadherin related 23; plus strand). Cytogenetic location: 10q22.1.
Variant type: single nucleotide variant.
Coding change: c.7723G>A on transcript NM_022124.6 (MANE Select); coding-DNA position 7723, G replaced by A.
Protein change: p.Glu2575Lys; replaces glutamic acid 2575 with lysine.
Molecular consequence: missense variant.
Genome position (GRCh38, 1-based): chr10:71,803,271, G>A. VCF-style: chr10-71803271-G-A. GRCh37 (hg19) VCF-style: chr10-73563028-G-A.
Other names: c.1003G>A, p.Glu335Lys (NM_001171933.1, NM_001171934.1); short protein forms E2575K, E335K.
Identifiers: ClinVar variation 1328128 (VCV001328128.14), dbSNP rs762925264, ClinGen allele CA5546429.